The following is an entry in ClinVar:

ClinVar aggregate classification (germline): Benign. Review status: reviewed by expert panel (3 of 4 stars). 11 submissions from 11 submitters: Benign (1). 10 of the submissions do not count toward it. Last evaluated 2018-08-10.

Conditions:
Phenylketonuria (PKU). Also called: FOLLING DISEASE; Phenylketonuria (PKU); OLIGOPHRENIA PHENYLPYRUVICA; Phenylketonurias. Identifiers: Orphanet 716, MedGen C0031485, MONDO:0009861, OMIM 261600. Disease mechanism: loss of function.

Allele frequency attached by ClinVar (database versions not stated): gnomAD exomes 0.01102 and 0.00423; 1000 Genomes Project 30x 0.04919; ExAC 0.01362; gnomAD 0.04124 and 0.04425; 1000 Genomes Project 0.04653; ESP Exome Variant Server 0.04652; TOPMed 0.04702.
gnomAD v4.1: 12,689 of 1,613,798 alleles (0.79%); highest among the groups gnomAD compares: African/African-American, 14%; 856 homozygotes.

Submissions (11):

ClinGen PAH Variant Curation Expert Panel
Classification: Benign for Phenylketonuria. Last evaluated: 2018-08-10. Review status: reviewed by expert panel. Criteria: ClinGen PAH ACMG Specifications v1. Collection method: curation. Allele origin: germline. Inheritance: Autosomal recessive inheritance.
Comment: PAH-specific ACMG/AMP criteria applied: BA1: MAF=0.16641; BP4: no impact on gene in SIFT, Polyphen2, MutationTaster. In summary this variant meets criteria to be classified as benign for phenylketonuria in an autosomal recessive manner based on the ACMG/AMP criteria applied as specified by the PAH Expert Panel: (BA1, BP4).

Labcorp Genetics (formerly Invitae), Labcorp
Classification: Benign for Phenylketonuria. Last evaluated: 2026-02-04. Review status: criteria provided, single submitter. Criteria: Invitae Variant Classification Sherloc (09022015). Collection method: clinical testing. Allele origin: germline. Not counted in ClinVar's aggregate classification.

Quest Diagnostics Nichols Institute San Juan Capistrano
Classification: Benign. Last evaluated: 2025-07-15. Review status: criteria provided, single submitter. Criteria: Quest Diagnostics criteria. Collection method: clinical testing. Allele origin: unknown. Not counted in ClinVar's aggregate classification.

GeneDx
Classification: Benign. Last evaluated: 2019-03-01. Review status: criteria provided, single submitter. Criteria: GeneDx Variant Classification Process June 2021. Collection method: clinical testing. Allele origin: germline. Affected: yes. Not counted in ClinVar's aggregate classification.

Illumina Laboratory Services, Illumina
Classification: Benign for Phenylketonuria. Last evaluated: 2018-01-13. Review status: criteria provided, single submitter. Criteria: ICSL Variant Classification Criteria 13 December 2019. Collection method: clinical testing. Allele origin: germline. Not counted in ClinVar's aggregate classification.
Comment: This variant was observed in the ICSL laboratory as part of a predisposition screen in an ostensibly healthy population. It had not been previously curated by ICSL or reported in the Human Gene Mutation Database (HGMD: prior to June 1st, 2018), and was therefore a candidate for classification through an automated scoring system. Utilizing variant allele frequency, disease prevalence and penetrance estimates, and inheritance mode, an automated score was calculated to assess if this variant is too frequent to cause the disease. Based on the score and internal cut-off values, a variant classified as benign is not then subjected to further curation. The score for this variant resulted in a classification of benign for this disease.

Women's Health and Genetics/Laboratory Corporation of America, LabCorp
Classification: Benign. Last evaluated: 2017-07-31. Review status: criteria provided, single submitter. Criteria: LabCorp Variant Classification Summary - May 2015. Collection method: clinical testing. Allele origin: germline. Not counted in ClinVar's aggregate classification.
Comment: Variant summary: The PAH c.1278T>C (p.Asn426Asn) variant involves the alteration of a non-conserved nucleotide causing a synonymous change and 5/5 splice prediction tools predict no significant impact on normal splicing. ESE finder predicts that this variant may alter ESE binding. However, these predictions have yet to be confirmed by functional studies. This variant was found in 1666/121610 control chromosomes (104 homozygotes), predominantly in the African cohort at a frequency of 0.14655 (1525/10406). This frequency is about 19 times the estimated maximal expected allele frequency of a pathogenic PAH variant (0.0079057), suggesting this is likely a benign polymorphism found primarily in population(s) of African origin. A publication, Acosta_2001, classifies the variant as a polymorphism, along with multiple clinical diagnostic laboratories classify the variant as "likely benign/benign." Taken together, this variant is classified as benign.

Eurofins Ntd Llc (ga)
Classification: Benign. Last evaluated: 2012-10-18. Review status: criteria provided, single submitter. Criteria: EGL Classification Definitions 2015. Collection method: clinical testing. Allele origin: germline. Observed: 4 variant alleles, 3 heterozygotes, 1 homozygote. Not counted in ClinVar's aggregate classification.

Breakthrough Genomics
Classification: Benign. Review status: criteria provided, single submitter. Criteria: ACMG Guidelines, 2015. Collection method: not provided. Allele origin: germline. Inheritance: Autosomal recessive inheritance. Affected: yes. Not counted in ClinVar's aggregate classification.

PreventionGenetics, part of Exact Sciences
Classification: Likely benign. Review status: criteria provided, single submitter. Criteria: ACMG Guidelines, 2015. Collection method: clinical testing. Allele origin: germline. Not counted in ClinVar's aggregate classification.

Natera, Inc.
Classification: Benign for Phenylketonuria. Last evaluated: 2020-09-16. Review status: no assertion criteria provided. Collection method: clinical testing. Allele origin: germline. Not counted in ClinVar's aggregate classification.

DeBelle Laboratory for Biochemical Genetics, MUHC/MCH RESEARCH INSTITUTE
No classification provided. Review status: no classification provided. Collection method: not provided. Allele origin: not provided. Not counted in ClinVar's aggregate classification.

Literature cited by the submitters: PubMed 35339094 (cited by Quest Diagnostics Nichols Institute San Juan Capistrano); PubMed 31783775 (cited by Quest Diagnostics Nichols Institute San Juan Capistrano); PubMed 11180595 (cited by Quest Diagnostics Nichols Institute San Juan Capistrano); PubMed 11139255 (cited by Women's Health and Genetics/Laboratory Corporation of America, LabCorp).

NM_000277.3(PAH):c.1278T>C (p.Asn426=)

Gene: PAH (phenylalanine hydroxylase; minus strand). Cytogenetic location: 12q23.2.
Variant type: single nucleotide variant.
Coding change: c.1278T>C on transcript NM_000277.3 (MANE Select); coding-DNA position 1278, T replaced by C.
Protein change: p.Asn426=; no amino-acid change (asparagine 426 retained).
Molecular consequence: synonymous variant.
Genome position (GRCh38, 1-based): chr12:102,840,437, A>G on the plus strand (T>C on the coding strand, the complement: PAH is on the minus strand). VCF-style: chr12-102840437-A-G. GRCh37 (hg19) VCF-style: chr12-103234215-A-G.
Other names: NM_000277.2(PAH):c.1278T>C; c.1278T>C, p.Asn426= (NM_001354304.2).
Identifiers: ClinVar variation 92732 (VCV000092732.28), dbSNP rs59326968, ClinGen allele CA145978.